The following is an entry in ClinVar:

NM_003773.5(HYAL2):c.1070A>G (p.Asn357Ser)

Gene: HYAL2 (hyaluronidase 2; minus strand). Cytogenetic location: 3p21.31.
Variant type: single nucleotide variant.
Coding change: c.1070A>G on transcript NM_003773.5 (MANE Select); coding-DNA position 1070, A replaced by G.
Protein change: p.Asn357Ser; replaces asparagine 357 with serine.
Molecular consequence: missense variant.
Genome position (GRCh38, 1-based): chr3:50,318,481, T>C on the plus strand (A>G on the coding strand, the complement: HYAL2 is on the minus strand). VCF-style: chr3-50318481-T-C. GRCh37 (hg19) VCF-style: chr3-50355912-T-C.
Other names: c.1070A>G, p.Asn357Ser (NM_033158.5); short protein forms N357S.
Identifiers: ClinVar variation 1704803 (VCV001704803.2), dbSNP rs139202918, ClinGen allele CA2416120.

ClinVar aggregate classification (germline): Uncertain significance (1 of 4 stars; one submission).

Allele frequency attached by ClinVar (database versions not stated): TOPMed 0.00006; gnomAD 0.00007; ExAC 0.00009; ESP Exome Variant Server 0.00015.
gnomAD v4.1: 136 of 1,612,766 alleles (0.0084%); highest among the groups gnomAD compares: Non-Finnish European, 0.01%; no homozygotes.

Submission:

GeneDx
Classification: Uncertain significance. Last evaluated: 2022-03-08. Review status: criteria provided, single submitter. Criteria: GeneDx Variant Classification Process June 2021. Collection method: clinical testing. Allele origin: germline. Affected: yes.
Comment: Has not been previously published as pathogenic or benign to our knowledge; In silico analysis supports that this missense variant has a deleterious effect on protein structure/function; This variant is associated with the following publications: (PMID: 28300864)